The following is an entry in ClinVar:

ClinVar aggregate classification (germline): Pathogenic (1 of 4 stars; one submission).

Conditions:
Hereditary breast ovarian cancer syndrome. Also called: Hereditary breast and ovarian cancer; Hereditary breast and ovarian cancer syndrome (HBOC); Breast and ovarian cancer; Hereditary breast and ovarian cancer syndrome; Hereditary breast and/or ovarian cancer syndrome; BRCA1- and BRCA2-Associated Hereditary Breast and Ovarian Cancer. Identifiers: Orphanet 145, MedGen C0677776, MeSH D061325, MONDO:0003582. Disease mechanism: loss of function.

Submission:

Labcorp Genetics (formerly Invitae), Labcorp
Classification: Pathogenic for Hereditary breast ovarian cancer syndrome. Last evaluated: 2021-04-25. Review status: criteria provided, single submitter. Criteria: Invitae Variant Classification Sherloc (09022015). Collection method: clinical testing. Allele origin: germline.
Comment: This sequence change creates a premature translational stop signal (p.Gln1408Profs*6) in the BRCA2 gene. It is expected to result in an absent or disrupted protein product. Loss-of-function variants in BRCA2 are known to be pathogenic (PMID: 20104584). This variant is not present in population databases (ExAC no frequency). This variant has not been reported in the literature in individuals with BRCA2-related conditions. For these reasons, this variant has been classified as Pathogenic.

Literature cited by the submitters: PubMed 20104584.

NM_000059.4(BRCA2):c.4222dup (p.Gln1408fs)

Gene: BRCA2 (BRCA2 DNA repair associated; plus strand). Cytogenetic location: 13q13.1.
Variant type: Duplication.
Coding change: c.4222dup on transcript NM_000059.4 (MANE Select); coding-DNA position 4222, one base duplicated (C; older notation c.4222dupC).
Protein change: p.Gln1408fs; shifts the reading frame from glutamine 1408.
Molecular consequence: frameshift variant.
Genome position (GRCh38, 1-based): chr13:32,338,577, C duplicated. VCF-style (leftmost placement, unchanged base first): chr13-32338576-A-AC. GRCh37 (hg19) VCF-style: chr13-32912713-A-AC.
Other names: short protein forms Q1408fs.
Identifiers: ClinVar variation 1452361 (VCV001452361.6), dbSNP rs2137504163, ClinGen allele CA2573149372.
Genomic context (GRCh38, chr13:32,338,576, plus strand): 5'-AACTTTTTTGGAAGTTGCGAAAGCTCAAGAAGCATGTCATGGTAATACTTCAAATAAAGA[A>AC]CAGTTAACTGCTACTAAAACGGAGCAAAATATAAAAGATTTTGAGACTTCTGATACATTT-3'